The following is an entry in ClinVar:

ClinVar aggregate classification (germline): Benign/Likely benign. Review status: criteria provided, multiple submitters, no conflicts (2 of 4 stars). 3 submissions from 3 submitters: Benign (2); Likely benign (1). Last evaluated 2026-04-01.

Conditions:
Epidermodysplasia verruciformis. Identifiers: Orphanet 302, MedGen C0014522, MONDO:0009176.

Allele frequency attached by ClinVar (database versions not stated): 1000 Genomes Project 30x 0.00187; 1000 Genomes Project 0.00220; TOPMed 0.00447; ESP Exome Variant Server 0.00492; gnomAD 0.00732 and 0.00763; gnomAD exomes 0.00849; ExAC 0.00872.
gnomAD v4.1: 13,349 of 1,613,348 alleles (0.83%); highest among the groups gnomAD compares: Non-Finnish European, 0.86%; 120 homozygotes.

Submissions (3):

CeGaT Center for Human Genetics Tuebingen
Classification: Likely benign. Last evaluated: 2026-04-01. Review status: criteria provided, single submitter. Criteria: CeGaT Center For Human Genetics Tuebingen Variant Classification Criteria Version 2. Collection method: clinical testing. Allele origin: germline. Affected: yes. Observed: 4 variant alleles.
Comment: TMC6: BS2

Labcorp Genetics (formerly Invitae), Labcorp
Classification: Benign for Epidermodysplasia verruciformis. Last evaluated: 2026-02-01. Review status: criteria provided, single submitter. Criteria: Invitae Variant Classification Sherloc (09022015). Collection method: clinical testing. Allele origin: germline.

Breakthrough Genomics
Classification: Benign. Review status: criteria provided, single submitter. Criteria: ACMG Guidelines, 2015. Collection method: not provided. Allele origin: germline. Inheritance: Autosomal recessive inheritance. Affected: yes.

NM_001127198.5(TMC6):c.1505C>T (p.Pro502Leu)

Gene: TMC6 (transmembrane channel like 6; minus strand). Cytogenetic location: 17q25.3.
Variant type: single nucleotide variant.
Coding change: c.1505C>T on transcript NM_001127198.5 (MANE Select); coding-DNA position 1505, C replaced by T.
Protein change: p.Pro502Leu; replaces proline 502 with leucine.
Molecular consequence: missense variant. On other transcripts: non-coding transcript variant (4).
Genome position (GRCh38, 1-based): chr17:78,121,043, G>A on the plus strand (C>T on the coding strand, the complement: TMC6 is on the minus strand). VCF-style: chr17-78121043-G-A. GRCh37 (hg19) VCF-style: chr17-76117124-G-A.
Other names: c.1505C>T, p.Pro502Leu (NM_001321185.1, NM_001374593.1, NM_001374594.1 and 4 more transcripts); short protein forms P502L.
Identifiers: ClinVar variation 456008 (VCV000456008.37), dbSNP rs75400929, ClinGen allele CA8795726.